The following is an entry in ClinVar:

NM_020831.6(MRTFA):c.1972G>A (p.Glu658Lys)

Gene: MRTFA (myocardin related transcription factor A; minus strand). Cytogenetic location: 22q13.1.
Variant type: single nucleotide variant.
Coding change: c.1972G>A on transcript NM_020831.6 (MANE Select); coding-DNA position 1972, G replaced by A.
Protein change: p.Glu658Lys; replaces glutamic acid 658 with lysine.
Molecular consequence: missense variant.
Genome position (GRCh38, 1-based): chr22:40,418,766, C>T on the plus strand (G>A on the coding strand, the complement: MRTFA is on the minus strand). VCF-style: chr22-40418766-C-T. GRCh37 (hg19) VCF-style: chr22-40814770-C-T.
Other names: c.1672G>A, p.Glu558Lys (NM_001282660.2); c.1822G>A, p.Glu608Lys (NM_001282661.3); c.1972G>A, p.Glu658Lys (NM_001282662.3); c.1777G>A, p.Glu593Lys (NM_001318139.2); short protein forms E558K, E608K, E593K, E658K.
Identifiers: ClinVar variation 3711693 (VCV003711693.2).
Genomic context (GRCh38, chr22:40,418,766, plus strand): 5'-CCTGCTTCACGGGGGTGCCGAGGGGGGCGGGGGCGGGGGCGGGCTGCTGGGCTCGCTTCT[C>T]CTGCTCCAGCTGCAGCTTGAGCCGCTCCACCAGCTGCTGCTTCTGCCGGAGCATGCGCGT-3'
Protein context (NP_065882.2, residues 648-668): VERLKLQLEQ[Glu658Lys]KRAQQPAPAP

ClinVar aggregate classification (germline): Uncertain significance (1 of 4 stars; one submission).

gnomAD v4.1: 6 of 1,556,636 alleles (0.00039%); highest among the groups gnomAD compares: Non-Finnish European, 0.00052%; no homozygotes.

Submission:

Labcorp Genetics (formerly Invitae), Labcorp
Classification: Uncertain significance. Last evaluated: 2024-10-09. Review status: criteria provided, single submitter. Criteria: Invitae Variant Classification Sherloc (09022015). Collection method: clinical testing. Allele origin: germline.
Comment: This sequence change replaces glutamic acid, which is acidic and polar, with lysine, which is basic and polar, at codon 558 of the MKL1 protein (p.Glu558Lys). This variant is present in population databases (rs779496339, gnomAD 0.001%). This variant has not been reported in the literature in individuals affected with MKL1-related conditions. An algorithm developed to predict the effect of missense changes on protein structure and function (PolyPhen-2) suggests that this variant is likely to be disruptive. In summary, the available evidence is currently insufficient to determine the role of this variant in disease. Therefore, it has been classified as a Variant of Uncertain Significance.